The following is an entry in ClinVar:

NM_003995.4(NPR2):c.2985A>C (p.Gln995His)

Genes: NPR2 (natriuretic peptide receptor 2; plus strand), SPAG8 (sperm associated antigen 8; minus strand). Cytogenetic location: 9p13.3.
Variant type: single nucleotide variant.
Coding change: c.2985A>C on transcript NM_003995.4 (MANE Select); coding-DNA position 2985, A replaced by C.
Protein change: p.Gln995His; replaces glutamine 995 with histidine.
Molecular consequence: missense variant. On other transcripts: intron variant (2).
Genome position (GRCh38, 1-based): chr9:35,808,852, A>C. VCF-style: chr9-35808852-A-C. GRCh37 (hg19) VCF-style: chr9-35808849-A-C.
Other names: c.2994A>C, p.Gln998His (NM_001378923.1); c.1201-546T>G (NM_001366760.2); c.1373-546T>G (NM_172312.2); short protein forms Q995H, Q998H.
Identifiers: ClinVar variation 2936916 (VCV002936916.3), dbSNP rs779382712, ClinGen allele CA5052163.

ClinVar aggregate classification (germline): Uncertain significance (1 of 4 stars; one submission).

Conditions:
Acromesomelic dysplasia 1, Maroteaux type (AMD1). Also called: ST. HELENA DYSPLASIA; ACROMESOMELIC DYSPLASIA 1. Identifiers: Orphanet 40, MedGen C1864356, MONDO:0011275, OMIM 602875.
Tall stature-scoliosis-macrodactyly of the great toes syndrome. Also called: Epiphyseal chondrodysplasia, miura type. Identifiers: Orphanet 329191, MedGen C4014690, MONDO:0014401, OMIM 615923.

Allele frequency attached by ClinVar (database versions not stated): gnomAD 0.00001; ExAC 0.00002; TOPMed below 0.00001.
gnomAD v4.1: 11 of 1,576,348 alleles (0.0007%); highest among the groups gnomAD compares: East Asian, 0.022%; no homozygotes.

Submission:

Labcorp Genetics (formerly Invitae), Labcorp
Classification: Uncertain significance for Tall stature-scoliosis-macrodactyly of the great toes syndrome; Acromesomelic dysplasia 1, Maroteaux type. Last evaluated: 2023-12-17. Review status: criteria provided, single submitter. Criteria: Invitae Variant Classification Sherloc (09022015). Collection method: clinical testing. Allele origin: germline.
Comment: This sequence change replaces glutamine, which is neutral and polar, with histidine, which is basic and polar, at codon 995 of the NPR2 protein (p.Gln995His). This variant is present in population databases (rs779382712, gnomAD 0.04%). This variant has not been reported in the literature in individuals affected with NPR2-related conditions. An algorithm developed to predict the effect of missense changes on protein structure and function (PolyPhen-2) suggests that this variant is likely to be disruptive. In summary, the available evidence is currently insufficient to determine the role of this variant in disease. Therefore, it has been classified as a Variant of Uncertain Significance.